The following is an entry in ClinVar:

NM_025074.7(FRAS1):c.*2154C>T

Gene: FRAS1 (Fraser extracellular matrix complex subunit 1; plus strand). Cytogenetic location: 4q21.21.
Variant type: single nucleotide variant.
Coding change: c.*2154C>T on transcript NM_025074.7 (MANE Select); 2154 bases downstream of the stop codon, C replaced by T.
Molecular consequence: 3 prime UTR variant.
Genome position (GRCh38, 1-based): chr4:78,543,278, C>T. VCF-style: chr4-78543278-C-T. GRCh37 (hg19) VCF-style: chr4-79464432-C-T.
Identifiers: ClinVar variation 349856 (VCV000349856.6), dbSNP rs3811747, ClinGen allele CA10621784.

ClinVar aggregate classification (germline): Benign. Review status: criteria provided, multiple submitters, no conflicts (2 of 4 stars). 2 submissions from 2 submitters: Benign (2). Last evaluated 2018-01-12.

Conditions:
Fraser syndrome 1 (FRASRS1). Also called: CRYPTOPHTHALMOS WITH OTHER MALFORMATIONS. Identifiers: Orphanet 2052, MedGen C4551480, MONDO:0054737, OMIM 219000.

Allele frequency attached by ClinVar (database versions not stated): gnomAD exomes 0.55000; TOPMed 0.63698; gnomAD 0.63908 and 0.64432; 1000 Genomes Project 30x 0.65522; 1000 Genomes Project 0.66174.
gnomAD v4.1: 97,980 of 152,120 alleles (64%); highest among the groups gnomAD compares: East Asian, 83%; 31,709 homozygotes.

Submissions (2):

Illumina Laboratory Services, Illumina
Classification: Benign for Fraser syndrome 1. Last evaluated: 2018-01-12. Review status: criteria provided, single submitter. Criteria: ICSL Variant Classification Criteria 13 December 2019. Collection method: clinical testing. Allele origin: germline.
Comment: This variant was observed in the ICSL laboratory as part of a predisposition screen in an ostensibly healthy population. It had not been previously curated by ICSL or reported in the Human Gene Mutation Database (HGMD: prior to June 1st, 2018), and was therefore a candidate for classification through an automated scoring system. Utilizing variant allele frequency, disease prevalence and penetrance estimates, and inheritance mode, an automated score was calculated to assess if this variant is too frequent to cause the disease. Based on the score and internal cut-off values, a variant classified as benign is not then subjected to further curation. The score for this variant resulted in a classification of benign for this disease.

Breakthrough Genomics
Classification: Benign. Review status: criteria provided, single submitter. Criteria: ACMG Guidelines, 2015. Collection method: not provided. Allele origin: germline. Inheritance: Autosomal recessive inheritance. Affected: yes.